The following is an entry in ClinVar:

ClinVar aggregate classification (germline): Conflicting classifications of pathogenicity. Review status: criteria provided, conflicting classifications (1 of 4 stars). 3 submissions from 3 submitters: Uncertain significance (2); Likely benign (1). Last evaluated 2025-09-04.

Conditions:
Primary dilated cardiomyopathy (DCM). Also called: Dilated Cardiomyopathy. Identifiers: Orphanet 217604, MedGen C0007193, MeSH D002311, MONDO:0005021, HP:0001644. Inheritance: Various modes of inheritance.

Allele frequency attached by ClinVar (database versions not stated): gnomAD 0.00001; gnomAD exomes 0.00003 and 0.00008; TOPMed 0.00006; ExAC 0.00008.
gnomAD v4.1: 48 of 1,613,948 alleles (0.003%); highest among the groups gnomAD compares: Admixed American, 0.038%; no homozygotes.

Submissions (3):

Ambry Genetics
Classification: Uncertain significance. Last evaluated: 2025-09-04. Review status: criteria provided, single submitter. Criteria: Ambry Variant Classification Scheme 2023. Collection method: clinical testing. Allele origin: germline.
Comment: The p.R678Q variant (also known as c.2033G>A), located in coding exon 20 of the NEBL gene, results from a G to A substitution at nucleotide position 2033. The arginine at codon 678 is replaced by glutamine, an amino acid with highly similar properties. This amino acid position is conserved. In addition, this alteration is predicted to be tolerated by in silico analysis. Since supporting evidence is limited at this time, the clinical significance of this alteration remains unclear.

Labcorp Genetics (formerly Invitae), Labcorp
Classification: Uncertain significance for Primary dilated cardiomyopathy. Last evaluated: 2025-07-29. Review status: criteria provided, single submitter. Criteria: Invitae Variant Classification Sherloc (09022015). Collection method: clinical testing. Allele origin: germline.
Comment: This sequence change replaces arginine, which is basic and polar, with glutamine, which is neutral and polar, at codon 678 of the NEBL protein (p.Arg678Gln). This variant is present in population databases (rs774294999, gnomAD 0.05%). This variant has not been reported in the literature in individuals affected with NEBL-related conditions. ClinVar contains an entry for this variant (Variation ID: 861583). An algorithm developed to predict the effect of missense changes on protein structure and function (PolyPhen-2) suggests that this variant is likely to be tolerated. In summary, the available evidence is currently insufficient to determine the role of this variant in disease. Therefore, it has been classified as a Variant of Uncertain Significance.

Women's Health and Genetics/Laboratory Corporation of America, LabCorp
Classification: Likely benign. Last evaluated: 2025-06-13. Review status: criteria provided, single submitter. Criteria: LabCorp Variant Classification Summary - May 2015. Collection method: clinical testing. Allele origin: germline.
Comment: Variant summary: NEBL c.2033G>A (p.Arg678Gln) results in a conservative amino acid change in the encoded protein sequence. Algorithms developed to predict the effect of missense changes on protein structure and function all suggest that this variant is likely to be tolerated. The variant allele was found at a frequency of 3e-05 in 1613948 control chromosomes. The observed variant frequency is approximately 3.8 fold of the estimated maximal expected allele frequency for a pathogenic variant in NEBL causing Dilated Cardiomyopathy phenotype (7.8e-06). To our knowledge, no occurrence of c.2033G>A in individuals affected with Dilated Cardiomyopathy and no experimental evidence demonstrating its impact on protein function have been reported. ClinVar contains an entry for this variant (Variation ID: 861583). Based on the evidence outlined above, the variant was classified as likely benign.

NM_006393.3(NEBL):c.2033G>A (p.Arg678Gln)

Gene: NEBL (nebulette; minus strand). Cytogenetic location: 10p12.31.
Variant type: single nucleotide variant.
Coding change: c.2033G>A on transcript NM_006393.3 (MANE Select); coding-DNA position 2033, G replaced by A.
Protein change: p.Arg678Gln; replaces arginine 678 with glutamine.
Molecular consequence: missense variant. On other transcripts: intron variant (9).
Genome position (GRCh38, 1-based): chr10:20,819,446, C>T on the plus strand (G>A on the coding strand, the complement: NEBL is on the minus strand). VCF-style: chr10-20819446-C-T. GRCh37 (hg19) VCF-style: chr10-21108375-C-T.
Other names: c.250-6506G>A (NM_001377326.1, NM_001377327.1, NM_001377328.1); c.358-6506G>A (NM_213569.2, NM_001173484.2, NM_001377322.1); c.301-6506G>A (NM_001377324.1); c.292-6506G>A (NM_001377325.1); c.310-6506G>A (NM_001377323.1); short protein forms R678Q.
Identifiers: ClinVar variation 861583 (VCV000861583.13), dbSNP rs774294999, ClinGen allele CA5432637.
Genomic context (GRCh38, chr10:20,819,446, plus strand): 5'-TGTTTGAGAAAATATAAAAGGAAACAGAAACGACTTGCCGCACTCAGCTGCTCCTGGTTT[C>T]GCCTCACTCTCTCTATCTCCGGGGTCATGCTTACCGGAGTGGCCTTGTAGTTTTGCTCTT-3'
Protein context (NP_006384.1, residues 668-688): SMTPEIERVR[Arg678Gln]NQEQLSAVKY